The following is an entry in ClinVar:

NM_022765.4(MICAL1):c.1222C>T (p.Arg408Trp)

Gene: MICAL1 (microtubule associated monooxygenase, calponin and LIM domain containing 1; minus strand). Cytogenetic location: 6q21.
Variant type: single nucleotide variant.
Coding change: c.1222C>T on transcript NM_022765.4 (MANE Select); coding-DNA position 1222, C replaced by T.
Protein change: p.Arg408Trp; replaces arginine 408 with tryptophan.
Molecular consequence: missense variant.
Genome position (GRCh38, 1-based): chr6:109,450,055, G>A on the plus strand (C>T on the coding strand, the complement: MICAL1 is on the minus strand). VCF-style: chr6-109450055-G-A. GRCh37 (hg19) VCF-style: chr6-109771258-G-A.
Other names: c.964C>T, p.Arg322Trp (NM_001159291.2); c.1279C>T, p.Arg427Trp (NM_001286613.2); short protein forms R322W, R427W, R408W.
Identifiers: ClinVar variation 1950580 (VCV001950580.5), dbSNP rs138265393, ClinGen allele CA3953464.

ClinVar aggregate classification (germline): Uncertain significance (1 of 4 stars; one submission).

Allele frequency attached by ClinVar (database versions not stated): gnomAD exomes 0.00001; ExAC 0.00003; TOPMed 0.00003; ESP Exome Variant Server 0.00008.
gnomAD v4.1: 28 of 1,613,928 alleles (0.0017%); highest among the groups gnomAD compares: African/African-American, 0.004%; no homozygotes.

Submission:

Labcorp Genetics (formerly Invitae), Labcorp
Classification: Uncertain significance. Last evaluated: 2023-05-09. Review status: criteria provided, single submitter. Criteria: Invitae Variant Classification Sherloc (09022015). Collection method: clinical testing. Allele origin: germline.
Comment: In summary, the available evidence is currently insufficient to determine the role of this variant in disease. Therefore, it has been classified as a Variant of Uncertain Significance. An algorithm developed to predict the effect of missense changes on protein structure and function (PolyPhen-2) suggests that this variant is likely to be disruptive. ClinVar contains an entry for this variant (Variation ID: 1950580). This variant has not been reported in the literature in individuals affected with MICAL1-related conditions. This variant is present in population databases (rs138265393, gnomAD 0.007%). This sequence change replaces arginine, which is basic and polar, with tryptophan, which is neutral and slightly polar, at codon 427 of the MICAL1 protein (p.Arg427Trp).